The following is an entry in ClinVar:

NM_001308093.3(GATA4):c.630C>T (p.Asp210=)

Gene: GATA4 (GATA binding protein 4). Cytogenetic location: 8p23.1.
Variant type: single nucleotide variant.
Coding change: c.630C>T on transcript NM_001308093.3 (MANE Select); coding-DNA position 630, C replaced by T.
Protein change: p.Asp210=; no amino-acid change (aspartic acid 210 retained).
Molecular consequence: synonymous variant.
Genome position (GRCh38, 1-based): chr8:11,748,929, C>T. VCF-style: chr8-11748929-C-T. GRCh37 (hg19) VCF-style: chr8-11606438-C-T.
Other names: c.9C>T, p.Asp3= (NM_001308094.2, NM_001374273.1, NM_001374274.1); c.627C>T, p.Asp209= (NM_002052.5).
Identifiers: ClinVar variation 239101 (VCV000239101.45), dbSNP rs192122549, ClinGen allele CA4630657.

ClinVar aggregate classification (germline): Benign/Likely benign. Review status: criteria provided, multiple submitters, no conflicts (2 of 4 stars). 6 submissions from 6 submitters: Benign (1); Likely benign (5). Last evaluated 2025-12-29.

Conditions:
Cardiovascular phenotype. Identifiers: MedGen CN230736.
Atrioventricular septal defect 4 (AVSD4). Identifiers: MedGen C3280781, MONDO:0013747, OMIM 614430.

Allele frequency attached by ClinVar (database versions not stated): gnomAD 0.00019 and 0.00021; TOPMed 0.00021; ESP Exome Variant Server 0.00023; gnomAD exomes 0.00030 and 0.00033; 1000 Genomes Project 30x 0.00031; ExAC 0.00035; 1000 Genomes Project 0.00040.
gnomAD v4.1: 469 of 1,614,210 alleles (0.029%); highest among the groups gnomAD compares: Middle Eastern, 0.082%; 1 homozygote.

Submissions (6):

Labcorp Genetics (formerly Invitae), Labcorp
Classification: Benign for Atrioventricular septal defect 4. Last evaluated: 2025-12-29. Review status: criteria provided, single submitter. Criteria: Invitae Variant Classification Sherloc (09022015). Collection method: clinical testing. Allele origin: germline.

Blueprint Genetics
Classification: Likely benign. Last evaluated: 2024-11-21. Review status: criteria provided, single submitter. Criteria: ACMG Guidelines, 2015. Collection method: clinical testing. Allele origin: germline.

CeGaT Center for Human Genetics Tuebingen
Classification: Likely benign. Last evaluated: 2023-11-01. Review status: criteria provided, single submitter. Criteria: CeGaT Center For Human Genetics Tuebingen Variant Classification Criteria Version 2. Collection method: clinical testing. Allele origin: germline. Affected: yes. Observed: 1 variant allele.
Comment: GATA4: BP4

GeneDx
Classification: Likely benign. Last evaluated: 2021-09-22. Review status: criteria provided, single submitter. Criteria: GeneDx Variant Classification Process June 2021. Collection method: clinical testing. Allele origin: germline. Affected: yes.
Comment: This variant is associated with the following publications: (PMID: 27374936)

Ambry Genetics
Classification: Likely benign for Cardiovascular phenotype. Last evaluated: 2017-04-14. Review status: criteria provided, single submitter. Criteria: Ambry Variant Classification Scheme 2023. Collection method: clinical testing. Allele origin: germline.

Breakthrough Genomics
Classification: Likely benign. Review status: criteria provided, single submitter. Criteria: ACMG Guidelines, 2015. Collection method: not provided. Allele origin: germline. Inheritance: Autosomal dominant inheritance. Affected: yes.